The following is an entry in ClinVar:

ClinVar aggregate classification (germline): Uncertain significance (1 of 4 stars; one submission).

Allele frequency attached by ClinVar (database versions not stated): gnomAD 0.00001.
gnomAD v4.1: 17 of 1,612,718 alleles (0.0011%); highest among the groups gnomAD compares: Non-Finnish European, 0.0014%; no homozygotes.

Submission:

Labcorp Genetics (formerly Invitae), Labcorp
Classification: Uncertain significance. Last evaluated: 2023-10-13. Review status: criteria provided, single submitter. Criteria: Invitae Variant Classification Sherloc (09022015). Collection method: clinical testing. Allele origin: germline.
Comment: This sequence change replaces valine, which is neutral and non-polar, with glycine, which is neutral and non-polar, at codon 160 of the SCO2 protein (p.Val160Gly). This variant is present in population databases (rs755433769, gnomAD 0.005%). This missense change has been observed in individual(s) with cardioencephalomyopathy (PMID: 17187620). In at least one individual the data is consistent with being in trans (on the opposite chromosome) from a pathogenic variant. This variant is also known as c.1602T>G. ClinVar contains an entry for this variant (Variation ID: 2066356). Advanced modeling of protein sequence and biophysical properties (such as structural, functional, and spatial information, amino acid conservation, physicochemical variation, residue mobility, and thermodynamic stability) performed at Invitae indicates that this missense variant is expected to disrupt SCO2 protein function. In summary, the available evidence is currently insufficient to determine the role of this variant in disease. Therefore, it has been classified as a Variant of Uncertain Significance.

Literature cited by the submitters: PubMed 17187620.

NM_005138.3(SCO2):c.479T>G (p.Val160Gly)

Genes: NCAPH2 (non-SMC condensin II complex subunit H2; plus strand), SCO2 (synthesis of cytochrome C oxidase 2; minus strand). Cytogenetic location: 22q13.33.
Variant type: single nucleotide variant.
Coding change: c.479T>G on transcript NM_005138.3 (MANE Select); coding-DNA position 479, T replaced by G.
Protein change: p.Val160Gly; replaces valine 160 with glycine.
Molecular consequence: missense variant. On other transcripts: 3 prime UTR variant (2).
Genome position (GRCh38, 1-based): chr22:50,523,933, A>C on the plus strand (T>G on the coding strand, the complement: SCO2 is on the minus strand). VCF-style: chr22-50523933-A-C. GRCh37 (hg19) VCF-style: chr22-50962362-A-C.
Other names: c.*558A>C (NM_001185011.2, NM_152299.4); c.479T>G, p.Val160Gly (NM_001169109.2, NM_001169110.1, NM_001169111.2); short protein forms V160G.
Identifiers: ClinVar variation 2066356 (VCV002066356.2), dbSNP rs755433769, ClinGen allele CA10321194.